The following is an entry in ClinVar:

ClinVar aggregate classification (germline): Uncertain significance (1 of 4 stars; one submission).

Conditions:
SEMA3F-related disorder. Also called: SEMA3F-related condition.

gnomAD v4.1: 9 of 1,613,628 alleles (0.00056%); highest among the groups gnomAD compares: African/African-American, 0.011%; no homozygotes.

Submission:

PreventionGenetics, part of Exact Sciences
Classification: Uncertain significance for SEMA3F-related condition. Last evaluated: 2025-04-25. Review status: criteria provided, single submitter. Criteria: ACMG Guidelines, 2015. Collection method: clinical testing. Allele origin: germline.
Comment: The SEMA3F c.802G>A variant is predicted to result in the amino acid substitution p.Ala268Thr. To our knowledge, this variant has not been reported in the literature. This variant is reported in 0.010% of alleles in individuals of East Asian descent in gnomAD. At this time, the clinical significance of this variant is uncertain due to the absence of conclusive functional and genetic evidence.

NM_004186.5(SEMA3F):c.802G>A (p.Ala268Thr)

Gene: SEMA3F (semaphorin 3F; plus strand). Cytogenetic location: 3p21.31.
Variant type: single nucleotide variant.
Coding change: c.802G>A on transcript NM_004186.5 (MANE Select); coding-DNA position 802, G replaced by A.
Protein change: p.Ala268Thr; replaces alanine 268 with threonine.
Molecular consequence: missense variant.
Genome position (GRCh38, 1-based): chr3:50,182,682, G>A. VCF-style: chr3-50182682-G-A. GRCh37 (hg19) VCF-style: chr3-50220115-G-A.
Other names: c.505G>A, p.Ala169Thr (NM_001318798.2); c.709G>A, p.Ala237Thr (NM_001318800.2); short protein forms A268T, A237T, A169T.
Identifiers: ClinVar variation 4978331 (VCV004978331.1).